The following is an entry in ClinVar:

NM_001267550.2(TTN):c.71981C>T (p.Ala23994Val)

Genes: TTN (titin; minus strand), TTN-AS1 (TTN antisense RNA 1; plus strand). Cytogenetic location: 2q31.2.
Variant type: single nucleotide variant.
Coding change: c.71981C>T on transcript NM_001267550.2 (MANE Select); coding-DNA position 71981, C replaced by T.
Protein change: p.Ala23994Val; replaces alanine 23994 with valine.
Molecular consequence: missense variant.
Genome position (GRCh38, 1-based): chr2:178,574,151, G>A on the plus strand (C>T on the coding strand, the complement: TTN is on the minus strand). VCF-style: chr2-178574151-G-A. GRCh37 (hg19) VCF-style: chr2-179438878-G-A.
Other names: p.A22353V:GCA>GTA; c.67058C>T, p.Ala22353Val (NM_001256850.1); c.64277C>T, p.Ala21426Val (NM_133378.4); c.44786C>T, p.Ala14929Val (NM_003319.4); c.45161C>T, p.Ala15054Val (NM_133432.3); c.45362C>T, p.Ala15121Val (NM_133437.4); short protein forms A22353V, A23994V, A21426V, A15121V, A14929V, A15054V.
Identifiers: ClinVar variation 202836 (VCV000202836.14), dbSNP rs772886864, ClinGen allele CA310436.

ClinVar aggregate classification (germline): Conflicting classifications of pathogenicity. Review status: criteria provided, conflicting classifications (1 of 4 stars). 6 submissions from 6 submitters: Uncertain significance (2); Likely benign (2). 2 of the submissions do not count toward it. Last evaluated 2026-07-01.

Conditions:
Cardiovascular phenotype. Identifiers: MedGen CN230736.

Allele frequency attached by ClinVar (database versions not stated): ExAC 0.00001; gnomAD exomes 0.00001 and 0.00003; gnomAD 0.00003; TOPMed 0.00007.
gnomAD v4.1: 27 of 1,613,502 alleles (0.0017%); highest among the groups gnomAD compares: Admixed American, 0.023%; no homozygotes.

Submissions (6):

CeGaT Center for Human Genetics Tuebingen
Classification: Uncertain significance. Last evaluated: 2026-07-01. Review status: criteria provided, single submitter. Criteria: CeGaT Center For Human Genetics Tuebingen Variant Classification Criteria Version 2. Collection method: clinical testing. Allele origin: germline. Affected: yes. Observed: 1 variant allele.
Comment: TTN: PM2, BP4

Ambry Genetics
Classification: Likely benign for Cardiovascular phenotype. Last evaluated: 2021-11-09. Review status: criteria provided, single submitter. Criteria: Ambry Variant Classification Scheme 2023. Collection method: clinical testing. Allele origin: germline.

GeneDx
Classification: Likely benign. Last evaluated: 2020-11-12. Review status: criteria provided, single submitter. Criteria: GeneDx Variant Classification Process June 2021. Collection method: clinical testing. Allele origin: germline. Affected: yes.

Laboratory for Molecular Medicine, Mass General Brigham Personalized Medicine
Classification: Uncertain significance. Last evaluated: 2015-03-05. Review status: criteria provided, single submitter. Criteria: LMM Criteria. Collection method: clinical testing. Allele origin: germline. Observed: 2 variant alleles.
Comment: The p.Ala21426Val variant in TTN has not been previously reported in individuals with cardiomyopathy, but has been identified in 1/66640 European chromosomes by the Exome Aggregation Consortium (ExAC). Comput ational prediction tools and conservation analysis do not provide strong support for or against an impact to the protein. In summary, the clinical significance of the p.Ala21426Val variant is uncertain.

Clinical Genetics DNA and cytogenetics Diagnostics Lab, Erasmus MC, Erasmus Medical Center
Classification: Uncertain significance. Review status: no assertion criteria provided. Collection method: clinical testing. Allele origin: germline. Affected: yes. Study: VKGL Data-share Consensus. Not counted in ClinVar's aggregate classification.

Clinical Genetics, Academic Medical Center
Classification: Uncertain significance. Review status: no assertion criteria provided. Collection method: clinical testing. Allele origin: germline. Affected: yes. Study: VKGL Data-share Consensus. Not counted in ClinVar's aggregate classification.